The following is an entry in ClinVar:

NM_003701.4(TNFSF11):c.101C>G (p.Pro34Arg)

Genes: TNFSF11 (TNF superfamily member 11; plus strand), LOC130009662 (ATAC-STARR-seq lymphoblastoid silent region 5301; plus strand). Cytogenetic location: 13q14.11.
Variant type: single nucleotide variant.
Coding change: c.101C>G on transcript NM_003701.4 (MANE Select); coding-DNA position 101, C replaced by G.
Protein change: p.Pro34Arg; replaces proline 34 with arginine.
Molecular consequence: missense variant. On other transcripts: intron variant (1).
Genome position (GRCh38, 1-based): chr13:42,574,404, C>G. VCF-style: chr13-42574404-C-G. GRCh37 (hg19) VCF-style: chr13-43148540-C-G.
Other names: c.-1+2666C>G (NM_033012.4); short protein forms P34R.
Identifiers: ClinVar variation 718598 (VCV000718598.11), dbSNP rs199558758, ClinGen allele CA6967119.
Genomic context (GRCh38, chr13:42,574,404, plus strand): 5'-GCTCGGAGGAGATGGGCGGCGGCCCCGGAGCCCCGCACGAGGGCCCCCTGCACGCCCCGC[C>G]GCCGCCTGCGCCGCACCAGCCCCCTGCCGCCTCCCGCTCCATGTTCGTGGCCCTCCTGGG-3'
Protein context (NP_003692.1, residues 24-44): APHEGPLHAP[Pro34Arg]PPAPHQPPAA

ClinVar aggregate classification (germline): Benign. Review status: criteria provided, single submitter (1 of 4 stars). 2 submissions from 2 submitters: Benign (1). 1 of the submissions does not count toward it. Last evaluated 2026-01-27.

Conditions:
TNFSF11-related disorder. Also called: TNFSF11-related condition.

Allele frequency attached by ClinVar (database versions not stated): ESP Exome Variant Server 0.00065; 1000 Genomes Project 30x 0.00094; 1000 Genomes Project 0.00100; gnomAD 0.00140; TOPMed 0.00192.
gnomAD v4.1: 492 of 1,560,910 alleles (0.032%); highest among the groups gnomAD compares: African/African-American, 0.61%; 4 homozygotes.

Submissions (2):

Labcorp Genetics (formerly Invitae), Labcorp
Classification: Benign. Last evaluated: 2026-01-27. Review status: criteria provided, single submitter. Criteria: Invitae Variant Classification Sherloc (09022015). Collection method: clinical testing. Allele origin: germline.

PreventionGenetics, part of Exact Sciences
Classification: Likely benign for TNFSF11-related condition. Last evaluated: 2019-06-25. Review status: no assertion criteria provided. Collection method: clinical testing. Allele origin: germline. Not counted in ClinVar's aggregate classification.
Comment: This variant is classified as likely benign based on ACMG/AMP sequence variant interpretation guidelines (Richards et al. 2015 PMID: 25741868, with internal and published modifications).